The following is an entry in ClinVar:

ClinVar aggregate classification (germline): Likely benign (1 of 4 stars; one submission).

gnomAD v4.1: 7 of 1,613,668 alleles (0.00043%); highest among the groups gnomAD compares: South Asian, 0.0055%; no homozygotes.

Submission:

Mayo Clinic Laboratories, Mayo Clinic
Classification: Likely benign. Last evaluated: 2025-05-23. Review status: criteria provided, single submitter. Criteria: ACMG Guidelines, 2015. Collection method: clinical testing. Allele origin: germline. Observed: 1 variant allele.
Comment: BP4, BP7

NM_031157.4(HNRNPA1):c.908-4A>G

Gene: HNRNPA1 (heterogeneous nuclear ribonucleoprotein A1; plus strand). Cytogenetic location: 12q13.13.
Variant type: single nucleotide variant.
Coding change: c.908-4A>G on transcript NM_031157.4 (MANE Select); 4 bases into the intron before coding-DNA position 908, A replaced by G.
Molecular consequence: intron variant.
Genome position (GRCh38, 1-based): chr12:54,283,808, A>G. VCF-style: chr12-54283808-A-G. GRCh37 (hg19) VCF-style: chr12-54677592-A-G.
Other names: p.?; c.752-4A>G (NM_002136.4).
Identifiers: ClinVar variation 4683757 (VCV004683757.1).
Genomic context (GRCh38, chr12:54,283,808, plus strand): 5'-AAACAGAATTGGAAACTAACATCATCCTCAGGTAACAGATAAAGGCCCTCTTTCCCATTC[A>G]TAGGAAGCAATTTTGGAGGTGGTGGAAGCTACAATGATTTTGGGAATTACAACAATCAGT-3'